The following is an entry in ClinVar:

ClinVar aggregate classification (germline): Benign. Review status: criteria provided, multiple submitters, no conflicts (2 of 4 stars). 4 submissions from 4 submitters: Benign (3). 1 of the submissions does not count toward it. Last evaluated 2024-01-01.

Conditions:
FNDC3B-related disorder. Also called: FNDC3B-related condition.

Allele frequency attached by ClinVar (database versions not stated): 1000 Genomes Project 30x 0.00312; 1000 Genomes Project 0.00339; TOPMed 0.00689; ExAC 0.00885; gnomAD 0.00888 and 0.00892; gnomAD exomes 0.00900; ESP Exome Variant Server 0.00961.
gnomAD v4.1: 19,400 of 1,614,030 alleles (1.2%); highest among the groups gnomAD compares: Non-Finnish European, 1.4%; 151 homozygotes.

Submissions (4):

CeGaT Center for Human Genetics Tuebingen
Classification: Benign. Last evaluated: 2024-01-01. Review status: criteria provided, single submitter. Criteria: CeGaT Center For Human Genetics Tuebingen Variant Classification Criteria Version 2. Collection method: clinical testing. Allele origin: germline. Affected: yes. Observed: 1 variant allele.
Comment: FNDC3B: BP4, BP7, BS1, BS2

Labcorp Genetics (formerly Invitae), Labcorp
Classification: Benign. Last evaluated: 2018-06-26. Review status: criteria provided, single submitter. Criteria: Invitae Variant Classification Sherloc (09022015). Collection method: clinical testing. Allele origin: germline.

Breakthrough Genomics
Classification: Benign. Review status: criteria provided, single submitter. Criteria: ACMG Guidelines, 2015. Collection method: not provided. Allele origin: germline. Inheritance: Unknown mechanism. Affected: yes.

PreventionGenetics, part of Exact Sciences
Classification: Benign for FNDC3B-related condition. Last evaluated: 2019-11-11. Review status: no assertion criteria provided. Collection method: clinical testing. Allele origin: germline. Not counted in ClinVar's aggregate classification.
Comment: This variant is classified as benign based on ACMG/AMP sequence variant interpretation guidelines (Richards et al. 2015 PMID: 25741868, with internal and published modifications).

NM_022763.4(FNDC3B):c.1137C>T (p.Pro379=)

Gene: FNDC3B (fibronectin type III domain containing 3B; plus strand). Cytogenetic location: 3q26.31.
Variant type: single nucleotide variant.
Coding change: c.1137C>T on transcript NM_022763.4 (MANE Select); coding-DNA position 1137, C replaced by T.
Protein change: p.Pro379=; no amino-acid change (proline 379 retained).
Molecular consequence: synonymous variant.
Genome position (GRCh38, 1-based): chr3:172,307,438, C>T. VCF-style: chr3-172307438-C-T. GRCh37 (hg19) VCF-style: chr3-172025228-C-T.
Other names: c.1137C>T (NM_022763.3); c.1137C>T, p.Pro379= (NM_001135095.2).
Identifiers: ClinVar variation 773705 (VCV000773705.27), dbSNP rs36032820, ClinGen allele CA2705556.